The following is an entry in ClinVar:

NM_006267.5(RANBP2):c.6856C>G (p.Gln2286Glu)

Gene: RANBP2 (RAN binding protein 2; plus strand). Cytogenetic location: 2q13.
Variant type: single nucleotide variant.
Coding change: c.6856C>G on transcript NM_006267.5 (MANE Select); coding-DNA position 6856, C replaced by G.
Protein change: p.Gln2286Glu; replaces glutamine 2286 with glutamic acid.
Molecular consequence: missense variant.
Genome position (GRCh38, 1-based): chr2:108,767,395, C>G. VCF-style: chr2-108767395-C-G. GRCh37 (hg19) VCF-style: chr2-109383851-C-G.
Other names: short protein forms Q2286E.
Identifiers: ClinVar variation 469480 (VCV000469480.11), dbSNP rs1553497729, ClinGen allele CA348076484.

ClinVar aggregate classification (germline): Uncertain significance (1 of 4 stars; one submission).

Conditions:
Familial acute necrotizing encephalopathy (IIAE3). Also called: Susceptibility to Acute Necrotizing Encephalopathy 1; ENCEPHALOPATHY, ACUTE, INFECTION-INDUCED, SUSCEPTIBILITY TO, 3. Identifiers: Orphanet 88619, MedGen C2675556, MONDO:0011953, OMIM 608033.

Submission:

Labcorp Genetics (formerly Invitae), Labcorp
Classification: Uncertain significance for Familial acute necrotizing encephalopathy. Last evaluated: 2022-07-06. Review status: criteria provided, single submitter. Criteria: Invitae Variant Classification Sherloc (09022015). Collection method: clinical testing. Allele origin: germline.
Comment: Algorithms developed to predict the effect of missense changes on protein structure and function (SIFT, PolyPhen-2, Align-GVGD) all suggest that this variant is likely to be disruptive. This sequence change replaces glutamine, which is neutral and polar, with glutamic acid, which is acidic and polar, at codon 2286 of the RANBP2 protein (p.Gln2286Glu). This variant is not present in population databases (gnomAD no frequency). This variant has not been reported in the literature in individuals affected with RANBP2-related conditions. ClinVar contains an entry for this variant (Variation ID: 469480). In summary, the available evidence is currently insufficient to determine the role of this variant in disease. Therefore, it has been classified as a Variant of Uncertain Significance.